The following is an entry in ClinVar:

ClinVar aggregate classification (germline): Uncertain significance (1 of 4 stars; one submission).

Submission:

GeneDx
Classification: Uncertain significance. Last evaluated: 2024-11-06. Review status: criteria provided, single submitter. Criteria: GeneDx Variant Classification Process June 2021. Collection method: clinical testing. Allele origin: germline. Affected: yes.
Comment: Not observed at significant frequency in large population cohorts (gnomAD); In silico analysis supports that this missense variant has a deleterious effect on protein structure/function; Has not been previously published as pathogenic or benign to our knowledge

NM_002742.3(PRKD1):c.1925T>A (p.Val642Asp)

Gene: PRKD1 (protein kinase D1; minus strand). Cytogenetic location: 14q12.
Variant type: single nucleotide variant.
Coding change: c.1925T>A on transcript NM_002742.3 (MANE Select); coding-DNA position 1925, T replaced by A.
Protein change: p.Val642Asp; replaces valine 642 with aspartic acid.
Molecular consequence: missense variant.
Genome position (GRCh38, 1-based): chr14:29,599,798, A>T on the plus strand (T>A on the coding strand, the complement: PRKD1 is on the minus strand). VCF-style: chr14-29599798-A-T. GRCh37 (hg19) VCF-style: chr14-30069004-A-T.
Other names: c.1949T>A, p.Val650Asp (NM_001330069.2); c.1661T>A, p.Val554Asp (NM_001348390.1); short protein forms V554D, V642D, V650D.
Identifiers: ClinVar variation 3898876 (VCV003898876.1).